The following is an entry in ClinVar:

NM_012090.5(MACF1):c.54_71del (p.14CRSERS[1])

Gene: MACF1 (microtubule actin crosslinking factor 1; plus strand). Cytogenetic location: 1p34.3.
Variant type: Deletion.
Coding change: c.54_71del on transcript NM_012090.5; coding-DNA positions 54 to 71, 18 bases deleted (GTCTTGTCGGAGTGAGCG).
Protein change: p.14CRSERS[1].
Molecular consequence: inframe deletion.
Genome position (GRCh38, 1-based): chr1:39,084,272-39,084,289, GTCTTGTCGGAGTGAGCG deleted; deleting any 18 consecutive bases within chr1:39,084,258-39,084,289 gives the same sequence; the c. name uses the placement nearest the transcript's 3' end. VCF-style (leftmost placement, unchanged base first): chr1-39084257-ATGTCGGAGTGAGCGGTCT-A. GRCh37 (hg19) VCF-style: chr1-39549929-ATGTCGGAGTGAGCGGTCT-A.
Other names: c.54_71del18 (NM_012090.5).
Identifiers: ClinVar variation 2072914 (VCV002072914.4), dbSNP rs376408478, ClinGen allele CA778994.

ClinVar aggregate classification (germline): Conflicting classifications of pathogenicity. Review status: criteria provided, conflicting classifications (1 of 4 stars). 2 submissions from 2 submitters: Uncertain significance (1); Likely benign (1). Last evaluated 2026-09-11.

Conditions:
MACF1-related disorder. Also called: MACF1-related condition.

Submissions (2):

PreventionGenetics, part of Exact Sciences
Classification: Likely benign for MACF1-related condition. Last evaluated: 2026-09-11. Review status: criteria provided, single submitter. Criteria: ACMG Guidelines, 2015. Collection method: clinical testing. Allele origin: germline.
Comment: This variant is classified as likely benign based on ACMG/AMP sequence variant interpretation guidelines (Richards et al. 2015 PMID: 25741868, with internal and published modifications).

Labcorp Genetics (formerly Invitae), Labcorp
Classification: Uncertain significance. Last evaluated: 2024-08-15. Review status: criteria provided, single submitter. Criteria: Invitae Variant Classification Sherloc (09022015). Collection method: clinical testing. Allele origin: germline.
Comment: This variant, c.54_71del, results in the deletion of 6 amino acid(s) of the MACF1 protein (p.Cys20_Ser25del), but otherwise preserves the integrity of the reading frame. This variant is present in population databases (no rsID available, gnomAD 0.07%), and has an allele count higher than expected for a pathogenic variant. This variant has not been reported in the literature in individuals affected with MACF1-related conditions. ClinVar contains an entry for this variant (Variation ID: 2072914). Experimental studies and prediction algorithms are not available or were not evaluated, and the functional significance of this variant is currently unknown. In summary, the available evidence is currently insufficient to determine the role of this variant in disease. Therefore, it has been classified as a Variant of Uncertain Significance.